The following is an entry in ClinVar:

NM_133433.4(NIPBL):c.2997del (p.Lys1000fs)

Gene: NIPBL (NIPBL cohesin loading factor; plus strand). Cytogenetic location: 5p13.2.
Variant type: Deletion.
Coding change: c.2997del on transcript NM_133433.4 (MANE Select); coding-DNA position 2997, one base deleted (T; older notation c.2997delT).
Protein change: p.Lys1000fs; shifts the reading frame from lysine 1000.
Molecular consequence: frameshift variant.
Genome position (GRCh38, 1-based): chr5:36,986,177, T deleted. VCF-style (leftmost placement, unchanged base first): chr5-36986176-CT-C. GRCh37 (hg19) VCF-style: chr5-36986278-CT-C.
Other names: c.2997del, p.Lys1000fs (NM_015384.5); short protein forms K1000fs.
Identifiers: ClinVar variation 1448401 (VCV001448401.6), dbSNP rs2149646812, ClinGen allele CA2573139684.

ClinVar aggregate classification (germline): Pathogenic (1 of 4 stars; one submission).

Conditions:
Cornelia de Lange syndrome 1 (CDLS1). Also called: Brachmann de Lange syndrome; TYPUS DEGENERATIVUS AMSTELODAMENSIS; NIPBL-Related Cornelia de Lange Syndrome. Identifiers: Orphanet 199, MedGen C4551851, MONDO:0007387, OMIM 122470.

Submission:

Labcorp Genetics (formerly Invitae), Labcorp
Classification: Pathogenic for Cornelia de Lange syndrome 1. Last evaluated: 2021-11-12. Review status: criteria provided, single submitter. Criteria: Invitae Variant Classification Sherloc (09022015). Collection method: clinical testing. Allele origin: germline.
Comment: For these reasons, this variant has been classified as Pathogenic. This variant has not been reported in the literature in individuals affected with NIPBL-related conditions. This variant is not present in population databases (gnomAD no frequency). This sequence change creates a premature translational stop signal (p.Lys1000Serfs*3) in the NIPBL gene. It is expected to result in an absent or disrupted protein product. Loss-of-function variants in NIPBL are known to be pathogenic (PMID: 15318302, 19763162, 23505322, 29995837).

Literature cited by the submitters: PubMed 15318302; PubMed 19763162; PubMed 23505322; PubMed 29995837.